The following is an entry in ClinVar:

NM_017763.6(RNF43):c.727C>T (p.Leu243=)

Gene: RNF43 (ring finger protein 43; minus strand). Cytogenetic location: 17q22.
Variant type: single nucleotide variant.
Coding change: c.727C>T on transcript NM_017763.6 (MANE Select); coding-DNA position 727, C replaced by T.
Protein change: p.Leu243=; no amino-acid change (leucine 243 retained).
Molecular consequence: synonymous variant.
Genome position (GRCh38, 1-based): chr17:58,360,905, G>A on the plus strand (C>T on the coding strand, the complement: RNF43 is on the minus strand). VCF-style: chr17-58360905-G-A. GRCh37 (hg19) VCF-style: chr17-56438266-G-A.
Other names: c.727C>T, p.Leu243= (NM_001305544.3, NM_001438820.1, NM_001438821.1 and 1 more transcripts); c.346C>T, p.Leu116= (NM_001305545.2, NM_001437987.1).
Identifiers: ClinVar variation 4875748 (VCV004875748.1).

ClinVar aggregate classification (germline): Benign (1 of 4 stars; one submission).

Conditions:
Sessile serrated polyposis cancer syndrome (SSPCS). Identifiers: Orphanet 157798, MedGen C4310714, MONDO:0014919, OMIM 617108.

Submission:

Myriad Genetics, Inc.
Classification: Benign for Sessile serrated polyposis cancer syndrome. Last evaluated: 2026-06-30. Review status: criteria provided, single submitter. Criteria: Myriad Autosomal Dominant, Autosomal Recessive and X-Linked Classification Criteria (2023). Collection method: clinical testing. Allele origin: unknown.
Comment: This variant is considered benign. This variant is a silent/synonymous amino acid change and it is not expected to impact splicing.